The following is an entry in ClinVar:

ClinVar aggregate classification (germline): Benign (1 of 4 stars; one submission).

Submission:

ISCA site 4
Classification: Benign. Last evaluated: 2011-08-12. Review status: criteria provided, single submitter. Criteria: Kaminsky et al. (Genet Med. 2011). Collection method: clinical testing. Allele origin: unknown. Affected: yes. Observed: 1 variant allele.
Comment: Copy number variation identified through the course of routine clinical cytogenomic testing in postnatal populations. Clinical assertions have been curated as described in Kaminsky et al. 2011.

GRCh38/hg38 6p25.3(chr6:259528-389482)x1

Genes: DUSP22 (dual specificity phosphatase 22; plus strand), LOC126859546 (BRD4-independent group 4 enhancer GRCh37_chr6:329543-330742; plus strand), LOC129389424 (MPRA-validated peak5616 silencer; plus strand), LOC129995536 (ATAC-STARR-seq lymphoblastoid active region 23815; plus strand), LOC129995537 (ATAC-STARR-seq lymphoblastoid active region 23816; plus strand) and 25 more. Cytogenetic location: 6p25.3.
Variant type: copy number loss.
Change: copy number 1 (one copy instead of two) of chr6:259,528-389,482 (130.0 kb, GRCh38 coordinates, 1-based), cytogenetic band 6p25.3.
Identifiers: ClinVar variation 160997 (VCV000160997.1).